The following is an entry in ClinVar:

ClinVar aggregate classification (germline): Uncertain significance (1 of 4 stars; one submission).

Submission:

Labcorp Genetics (formerly Invitae), Labcorp
Classification: Uncertain significance. Last evaluated: 2025-08-22. Review status: criteria provided, single submitter. Criteria: Invitae Variant Classification Sherloc (09022015). Collection method: clinical testing. Allele origin: germline.
Comment: This variant, c.777_779del, results in the deletion of 1 amino acid(s) of the PGAP3 protein (p.Val260del), but otherwise preserves the integrity of the reading frame. This variant is not present in population databases (gnomAD no frequency). This variant has not been reported in the literature in individuals affected with PGAP3-related conditions. Experimental studies and prediction algorithms are not available or were not evaluated, and the functional significance of this variant is currently unknown. In summary, the available evidence is currently insufficient to determine the role of this variant in disease. Therefore, it has been classified as a Variant of Uncertain Significance.

NM_033419.5(PGAP3):c.771GGT[2] (p.Val260del)

Gene: PGAP3 (post-GPI attachment to proteins phospholipase 3; minus strand). Cytogenetic location: 17q12.
Variant type: Microsatellite.
Coding change: c.771GGT[2] on transcript NM_033419.5 (MANE Select); two copies in a row of the 3-base unit GGT starting at c.771; the reference has three copies in a row; one copy, 3 bases deleted.
Protein change: p.Val260del; deletes valine 260.
Molecular consequence: inframe deletion. On other transcripts: intron variant (3).
Genome position (GRCh38, 1-based): chr17:39,673,171-39,673,173, ACC deleted on the plus strand (GGT on the coding strand, the reverse complement: PGAP3 is on the minus strand); deleting any 3 consecutive bases within chr17:39,673,171-39,673,181 gives the same sequence; the position shown is the placement nearest the transcript's 3' end. VCF-style (leftmost placement, unchanged base first): chr17-39673170-GACC-G. GRCh37 (hg19) VCF-style: chr17-37829423-GACC-G.
Other names: c.618GGT[2], p.Val209del (NM_001291726.2); c.708GGT[2], p.Val239del (NM_001291728.2); c.433-313GGT[2] (NM_001291733.2); c.495-313GGT[2] (NM_001291732.2); c.558-313GGT[2] (NM_001291730.2); short protein forms V209del, V239del, V260del.
Identifiers: ClinVar variation 4710656 (VCV004710656.1).
Genomic context (GRCh38, chr17:39,673,170, plus strand): 5'-GACCCAGAAGAGCGGTGGGAAGTCAAGCAGCTCGAGCAGGGACAGCCCCTGCAGCAGCAA[GACC>G]ACCACCACGCACTTGCGCACGTGAGGCAGCCGCCGCTGGTTCCACAGGCACCAGGCCAGC-3'